The following is an entry in ClinVar:

NM_005502.4(ABCA1):c.4536G>T (p.Thr1512=)

Gene: ABCA1 (ATP binding cassette subfamily A member 1; minus strand). Cytogenetic location: 9q31.1.
Variant type: single nucleotide variant.
Coding change: c.4536G>T on transcript NM_005502.4 (MANE Select); coding-DNA position 4536, G replaced by T.
Protein change: p.Thr1512=; no amino-acid change (threonine 1512 retained).
Molecular consequence: synonymous variant.
Genome position (GRCh38, 1-based): chr9:104,804,649, C>A on the plus strand (G>T on the coding strand, the complement: ABCA1 is on the minus strand). VCF-style: chr9-104804649-C-A. GRCh37 (hg19) VCF-style: chr9-107566930-C-A.
Other names: p.Thr1512=.
Identifiers: ClinVar variation 364400 (VCV000364400.20), dbSNP rs41277763, ClinGen allele CA5168119.

ClinVar aggregate classification (germline): Benign/Likely benign. Review status: criteria provided, multiple submitters, no conflicts (2 of 4 stars). 8 submissions from 7 submitters: Benign (5); Likely benign (3). Last evaluated 2026-02-04.

Conditions:
Tangier disease (TGD). Also called: HIGH DENSITY LIPOPROTEIN DEFICIENCY, TANGIER TYPE; HIGH DENSITY LIPOPROTEIN DEFICIENCY, TYPE 1; Cholesterol thesaurismosis. Identifiers: Orphanet 31150, MedGen C0039292, MONDO:0008783, OMIM 205400.
Cardiovascular phenotype. Identifiers: MedGen CN230736.
Hypoalphalipoproteinemia, primary, 1. Identifiers: Orphanet 425, MedGen C5231558, MONDO:0011393, OMIM 604091.

Allele frequency attached by ClinVar (database versions not stated): 1000 Genomes Project 30x 0.00687; 1000 Genomes Project 0.00759; TOPMed 0.01227; ESP Exome Variant Server 0.01292.
gnomAD v4.1: 29,958 of 1,614,048 alleles (1.9%); highest among the groups gnomAD compares: Non-Finnish European, 2.1%; 373 homozygotes.

Submissions (8):

Labcorp Genetics (formerly Invitae), Labcorp
Classification: Benign. Last evaluated: 2026-02-04. Review status: criteria provided, single submitter. Criteria: Invitae Variant Classification Sherloc (09022015). Collection method: clinical testing. Allele origin: germline.

Blueprint Genetics
Classification: Likely benign. Last evaluated: 2024-11-27. Review status: criteria provided, single submitter. Criteria: ACMG Guidelines, 2015. Collection method: clinical testing. Allele origin: germline.

GeneDx
Classification: Likely benign. Last evaluated: 2021-04-23. Review status: criteria provided, single submitter. Criteria: GeneDx Variant Classification Process June 2021. Collection method: clinical testing. Allele origin: germline. Affected: yes.

Mayo Clinic Laboratories, Mayo Clinic
Classification: Benign. Last evaluated: 2019-08-07. Review status: criteria provided, single submitter. Criteria: ACMG Guidelines, 2015. Collection method: clinical testing. Allele origin: germline. Observed: 40 variant alleles.

Ambry Genetics
Classification: Benign for Cardiovascular phenotype. Last evaluated: 2019-02-03. Review status: criteria provided, single submitter. Criteria: Ambry Variant Classification Scheme 2023. Collection method: clinical testing. Allele origin: germline.

Illumina Laboratory Services, Illumina
Classification: Benign for Hypoalphalipoproteinemia, primary, 1. Last evaluated: 2018-01-13. Review status: criteria provided, single submitter. Criteria: ICSL Variant Classification Criteria 13 December 2019. Collection method: clinical testing. Allele origin: germline.
Comment: This variant was observed in the ICSL laboratory as part of a predisposition screen in an ostensibly healthy population. It had not been previously curated by ICSL or reported in the Human Gene Mutation Database (HGMD: prior to June 1st, 2018), and was therefore a candidate for classification through an automated scoring system. Utilizing variant allele frequency, disease prevalence and penetrance estimates, and inheritance mode, an automated score was calculated to assess if this variant is too frequent to cause the disease. Based on the score and internal cut-off values, a variant classified as benign is not then subjected to further curation. The score for this variant resulted in a classification of benign for this disease.

Illumina Laboratory Services, Illumina
Classification: Benign for Tangier disease. Last evaluated: 2018-01-13. Review status: criteria provided, single submitter. Criteria: ICSL Variant Classification Criteria 13 December 2019. Collection method: clinical testing. Allele origin: germline.
Comment: the same text as in the submission from Illumina Laboratory Services, Illumina above.

Breakthrough Genomics
Classification: Likely benign. Review status: criteria provided, single submitter. Criteria: ACMG Guidelines, 2015. Collection method: not provided. Allele origin: germline. Inheritance: Autosomal recessive inheritance. Affected: yes.